The following is an entry in ClinVar:

NM_006765.4(TUSC3):c.244C>T (p.Arg82Ter)

Gene: TUSC3 (tumor suppressor candidate 3; plus strand). Cytogenetic location: 8p22.
Variant type: single nucleotide variant.
Coding change: c.244C>T on transcript NM_006765.4 (MANE Select); coding-DNA position 244, C replaced by T.
Protein change: p.Arg82Ter; replaces arginine 82 with a stop codon.
Molecular consequence: nonsense.
Genome position (GRCh38, 1-based): chr8:15,623,185, C>T. VCF-style: chr8-15623185-C-T. GRCh37 (hg19) VCF-style: chr8-15480694-C-T.
Other names: c.244C>T, p.Arg82Ter (NM_001356429.2, NM_001413583.1, NM_001413673.1 and 17 more transcripts); c.76C>T, p.Arg26Ter (NM_001413669.1, NM_001413671.1, NM_001413672.1); c.184C>T, p.Arg62Ter (NM_001413670.1); c.-71C>T (NM_001413677.1); short protein forms R26*, R62*, R82*.
Identifiers: ClinVar variation 2428857 (VCV002428857.4), dbSNP rs777068372, ClinGen allele CA370389865.

ClinVar aggregate classification (germline): Pathogenic (1 of 4 stars; one submission).

gnomAD v4.1: 8 of 1,613,542 alleles (0.0005%); highest among the groups gnomAD compares: Non-Finnish European, 0.00051%; no homozygotes.

Submission:

GeneDx
Classification: Pathogenic. Last evaluated: 2022-07-11. Review status: criteria provided, single submitter. Criteria: GeneDx Variant Classification Process June 2021. Collection method: clinical testing. Allele origin: germline. Affected: yes.
Comment: Nonsense variant predicted to result in protein truncation or nonsense mediated decay in a gene for which loss of function is a known mechanism of disease; Not observed at significant frequency in large population cohorts (gnomAD); This variant is associated with the following publications: (PMID: 28397838)